The following is an entry in ClinVar:

ClinVar aggregate classification (germline): Uncertain significance (1 of 4 stars; one submission).

Conditions:
Xeroderma pigmentosum, group F (XPF). Also called: XERODERMA PIGMENTOSUM, COMPLEMENTATION GROUP F; XERODERMA PIGMENTOSUM VI; XP, GROUP F; ERCC4-Related Xeroderma Pigmentosum; XERODERMA PIGMENTOSUM, TYPE F; Xeroderma pigmentosum, type 6. Identifiers: MedGen C0268140, MONDO:0010215, OMIM 278760.
Fanconi anemia complementation group Q. Identifiers: Orphanet 84, MedGen C3808988, MONDO:0014108, OMIM 615272.
Cockayne syndrome. Identifiers: Orphanet 191, MedGen C0009207, MONDO:0016006.

Submission:

Labcorp Genetics (formerly Invitae), Labcorp
Classification: Uncertain significance for Fanconi anemia complementation group Q; Xeroderma pigmentosum, group F; Cockayne syndrome. Last evaluated: 2024-04-02. Review status: criteria provided, single submitter. Criteria: Invitae Variant Classification Sherloc (09022015). Collection method: clinical testing. Allele origin: germline.
Comment: This sequence change replaces alanine, which is neutral and non-polar, with glutamic acid, which is acidic and polar, at codon 428 of the ERCC4 protein (p.Ala428Glu). This variant is present in population databases (rs763619616, gnomAD 0.002%). This variant has not been reported in the literature in individuals affected with ERCC4-related conditions. Advanced modeling of protein sequence and biophysical properties (such as structural, functional, and spatial information, amino acid conservation, physicochemical variation, residue mobility, and thermodynamic stability) performed at Invitae indicates that this missense variant is not expected to disrupt ERCC4 protein function with a negative predictive value of 80%. In summary, the available evidence is currently insufficient to determine the role of this variant in disease. Therefore, it has been classified as a Variant of Uncertain Significance.

NM_005236.3(ERCC4):c.1283C>A (p.Ala428Glu)

Gene: ERCC4 (ERCC excision repair 4, endonuclease catalytic subunit; plus strand). Cytogenetic location: 16p13.12.
Variant type: single nucleotide variant.
Coding change: c.1283C>A on transcript NM_005236.3 (MANE Select); coding-DNA position 1283, C replaced by A.
Protein change: p.Ala428Glu; replaces alanine 428 with glutamic acid.
Molecular consequence: missense variant.
Genome position (GRCh38, 1-based): chr16:13,935,215, C>A. VCF-style: chr16-13935215-C-A. GRCh37 (hg19) VCF-style: chr16-14029072-C-A.
Other names: short protein forms A428E.
Identifiers: ClinVar variation 3752490 (VCV003752490.1).